The following is an entry in ClinVar:

NM_001348768.2(HECW2):c.2990A>G (p.His997Arg)

Gene: HECW2 (HECT, C2 and WW domain containing E3 ubiquitin protein ligase 2; minus strand). Cytogenetic location: 2q32.3.
Variant type: single nucleotide variant.
Coding change: c.2990A>G on transcript NM_001348768.2 (MANE Select); coding-DNA position 2990, A replaced by G.
Protein change: p.His997Arg; replaces histidine 997 with arginine.
Molecular consequence: missense variant.
Genome position (GRCh38, 1-based): chr2:196,292,575, T>C on the plus strand (A>G on the coding strand, the complement: HECW2 is on the minus strand). VCF-style: chr2-196292575-T-C. GRCh37 (hg19) VCF-style: chr2-197157299-T-C.
Other names: c.1922A>G, p.His641Arg (NM_001304840.3); c.2990A>G, p.His997Arg (NM_020760.4); short protein forms H641R, H997R.
Identifiers: ClinVar variation 2431851 (VCV002431851.2), dbSNP rs2468924699, ClinGen allele CA349959392.
Genomic context (GRCh38, chr2:196,292,575, plus strand): 5'-AAGCAGCCCACAGGCATTTGGCACTCCCTGAGGCATCTCCCTCGTGTTACCTTGCCCTGG[T>C]GATCATGTTTCATTTCCCATCCCCGCGGCAGCTCTAGCTGTTTGTTCGCGAACATGTTGA-3'
Protein context (NP_001335697.1, residues 987-1007): LPRGWEMKHD[His997Arg]QGKAFFVDHN

ClinVar aggregate classification (germline): Uncertain significance (1 of 4 stars; one submission).

Conditions:
Neurodevelopmental disorder with hypotonia, seizures, and absent language (NDHSAL). Identifiers: MedGen C4310643, MONDO:0014995, OMIM 617268.

gnomAD v4.1: 1 of 1,613,036 alleles (0.000062%); no homozygotes.

Submission:

Laboratorio de Genetica e Diagnostico Molecular, Hospital Israelita Albert Einstein
Classification: Uncertain significance for Neurodevelopmental disorder with hypotonia, seizures, and absent language. Last evaluated: 2022-06-14. Review status: criteria provided, single submitter. Criteria: ACMG Guidelines, 2015. Collection method: clinical testing. Allele origin: germline. Affected: yes.
Comment: ACMG classification criteria: PM2 moderated